The following is an entry in ClinVar:

NM_001005242.3(PKP2):c.1390A>C (p.Asn464His)

Gene: PKP2 (plakophilin 2; minus strand). Cytogenetic location: 12p11.21.
Variant type: single nucleotide variant.
Coding change: c.1390A>C on transcript NM_001005242.3 (MANE Select); coding-DNA position 1390, A replaced by C.
Protein change: p.Asn464His; replaces asparagine 464 with histidine.
Molecular consequence: missense variant.
Genome position (GRCh38, 1-based): chr12:32,841,194, T>G on the plus strand (A>C on the coding strand, the complement: PKP2 is on the minus strand). VCF-style: chr12-32841194-T-G. GRCh37 (hg19) VCF-style: chr12-32994128-T-G.
Other names: c.1390A>C, p.Asn464His (NM_001407155.1, NM_001407156.1, NM_001407161.1); c.1522A>C, p.Asn508His (NM_001407157.1, NM_004572.4); c.1063A>C, p.Asn355His (NM_001407158.1, NM_001407159.1, NM_001407160.1 and 1 more transcripts); short protein forms N355H, N464H, N508H.
Identifiers: ClinVar variation 1714593 (VCV001714593.5), dbSNP rs2541265358, ClinGen allele CA384368146.

ClinVar aggregate classification (germline): Uncertain significance (1 of 4 stars; one submission).

Conditions:
Arrhythmogenic right ventricular dysplasia 9 (ARVD9). Also called: Arrhythmogenic Right Ventricular Dysplasia/Cardiomyopathy 9; ARRHYTHMOGENIC RIGHT VENTRICULAR DYSPLASIA, FAMILIAL, 9. Identifiers: MedGen C1836906, MONDO:0012180, OMIM 609040.

Submission:

Labcorp Genetics (formerly Invitae), Labcorp
Classification: Uncertain significance for Arrhythmogenic right ventricular dysplasia 9. Last evaluated: 2022-07-30. Review status: criteria provided, single submitter. Criteria: Invitae Variant Classification Sherloc (09022015). Collection method: clinical testing. Allele origin: germline.
Comment: This sequence change replaces asparagine, which is neutral and polar, with histidine, which is basic and polar, at codon 508 of the PKP2 protein (p.Asn508His). This variant is not present in population databases (gnomAD no frequency). This variant has not been reported in the literature in individuals affected with PKP2-related conditions. Algorithms developed to predict the effect of missense changes on protein structure and function (SIFT, PolyPhen-2, Align-GVGD) all suggest that this variant is likely to be disruptive. In summary, the available evidence is currently insufficient to determine the role of this variant in disease. Therefore, it has been classified as a Variant of Uncertain Significance.